The following is an entry in ClinVar:

ClinVar aggregate classification (germline): Uncertain significance (1 of 4 stars; one submission).

Allele frequency attached by ClinVar (database versions not stated): gnomAD exomes below 0.00001; ESP Exome Variant Server 0.00008.
gnomAD v4.1: 1 of 1,599,790 alleles (0.000063%); highest among the groups gnomAD compares: Non-Finnish European, 0.000085%; no homozygotes.

Submission:

Labcorp Genetics (formerly Invitae), Labcorp
Classification: Uncertain significance. Last evaluated: 2021-10-25. Review status: criteria provided, single submitter. Criteria: Invitae Variant Classification Sherloc (09022015). Collection method: clinical testing. Allele origin: germline.
Comment: Algorithms developed to predict the effect of missense changes on protein structure and function are either unavailable or do not agree on the potential impact of this missense change (SIFT: "Deleterious"; PolyPhen-2: "Probably Damaging"; Align-GVGD: "Class C0"). In summary, the available evidence is currently insufficient to determine the role of this variant in disease. Therefore, it has been classified as a Variant of Uncertain Significance. This variant has not been reported in the literature in individuals affected with ADGRV1-related conditions. This variant is not present in population databases (ExAC no frequency). This sequence change replaces glutamic acid with lysine at codon 3999 of the ADGRV1 protein (p.Glu3999Lys). The glutamic acid residue is highly conserved and there is a small physicochemical difference between glutamic acid and lysine.

NM_032119.4(ADGRV1):c.11995G>A (p.Glu3999Lys)

Gene: ADGRV1 (adhesion G protein-coupled receptor V1; plus strand). Cytogenetic location: 5q14.3.
Variant type: single nucleotide variant.
Coding change: c.11995G>A on transcript NM_032119.4 (MANE Select); coding-DNA position 11995, G replaced by A.
Protein change: p.Glu3999Lys; replaces glutamic acid 3999 with lysine.
Molecular consequence: missense variant. On other transcripts: non-coding transcript variant (1).
Genome position (GRCh38, 1-based): chr5:90,759,463, G>A. VCF-style: chr5-90759463-G-A. GRCh37 (hg19) VCF-style: chr5-90055280-G-A.
Other names: short protein forms E3999K.
Identifiers: ClinVar variation 1435858 (VCV001435858.6), dbSNP rs372874577, ClinGen allele CA122799572.